The following is an entry in ClinVar:

ClinVar aggregate classification (germline): Benign/Likely benign. Review status: criteria provided, multiple submitters, no conflicts (2 of 4 stars). 9 submissions from 9 submitters: Benign (1); Likely benign (8). Last evaluated 2026-01-11.

Conditions:
SMAD4-related disorder. Also called: SMAD4-Related disorders; SMAD4-related condition.
Juvenile polyposis syndrome (JPS). Identifiers: Orphanet 2929, MedGen C0345893, MONDO:0017380, OMIM 174900.
Hereditary cancer-predisposing syndrome. Also called: Neoplastic Syndromes, Hereditary; Hereditary Cancer Syndrome; Tumor predisposition; Hereditary neoplastic syndrome. Identifiers: Orphanet 140162, MedGen C0027672, MeSH D009386, MONDO:0015356.
Familial thoracic aortic aneurysm and aortic dissection (TAAD). Also called: Thoracic aortic aneurysms and dissections. Identifiers: Orphanet 91387, MedGen C4707243, MONDO:0019625.
Juvenile polyposis/hereditary hemorrhagic telangiectasia syndrome (JPHT). Also called: POLYPOSIS, GENERALIZED JUVENILE, WITH PULMONARY ARTERIOVENOUS MALFORMATION; TELANGIECTASIA, HEREDITARY HEMORRHAGIC, WITH JUVENILE POLYPOSIS COLI; JP/HHT SYNDROME; JUVENILE POLYPOSIS WITH HEREDITARY HEMORRHAGIC TELANGIECTASIA; Juvenile Polyposis Syndrome / Hereditary Hemorrhagic Telangiectasia (JPS/HHT). Identifiers: Orphanet 2929, MedGen C1832942, MONDO:0008278, OMIM 175050.

Allele frequency attached by ClinVar (database versions not stated): gnomAD exomes below 0.00001 and 0.00001; gnomAD 0.00001.

Submissions (9):

PreventionGenetics, part of Exact Sciences
Classification: Likely benign for SMAD4-related condition. Last evaluated: 2026-01-11. Review status: criteria provided, single submitter. Criteria: ACMG Guidelines, 2015. Collection method: clinical testing. Allele origin: germline.
Comment: This variant is classified as likely benign based on ACMG/AMP sequence variant interpretation guidelines (Richards et al. 2015 PMID: 25741868, with internal and published modifications).

Myriad Genetics, Inc.
Classification: Benign for Juvenile polyposis/hereditary hemorrhagic telangiectasia syndrome. Last evaluated: 2025-03-21. Review status: criteria provided, single submitter. Criteria: Myriad Autosomal Dominant, Autosomal Recessive and X-Linked Classification Criteria (2023). Collection method: clinical testing. Allele origin: unknown.
Comment: This variant is considered benign. This variant is a silent/synonymous amino acid change and it is not expected to impact splicing.

Labcorp Genetics (formerly Invitae), Labcorp
Classification: Likely benign for Juvenile polyposis syndrome. Last evaluated: 2025-02-04. Review status: criteria provided, single submitter. Criteria: Invitae Variant Classification Sherloc (09022015). Collection method: clinical testing. Allele origin: germline.

Institute for Biomarker Research, Medical Diagnostic Laboratories, L.L.C.
Classification: Likely benign for Hereditary cancer-predisposing syndrome. Last evaluated: 2025-01-30. Review status: criteria provided, single submitter. Criteria: ACMG Guidelines, 2015. Collection method: clinical testing. Allele origin: germline.
Comment: The synonymous variant NM_005359.6(SMAD4):c.1353G>A (p.Ala451=) has been reported to ClinVar as Likely benign with a status of (2 stars) criteria provided, multiple submitters, no conflicts (Variation ID 492469 as of 2025-01-02). The p.Ala451= variant is not predicted to disrupt an existing splice site. The p.Ala451= variant results in a substitution of a base that is not predicted conserved by GERP++ and PhyloP. For these reasons, this variant has been classified as Likely Benign.

All of Us Research Program, National Institutes of Health
Classification: Likely benign for Juvenile polyposis/hereditary hemorrhagic telangiectasia syndrome. Last evaluated: 2023-10-02. Review status: criteria provided, single submitter. Criteria: ACMG Guidelines, 2015. Collection method: clinical testing. Allele origin: germline. Inheritance: Autosomal dominant inheritance. Observed: 2 variant alleles, 2 heterozygotes.
Comment: This study involves interpretation of variants in research participants for the purpose of population health screening. Participant phenotype was not available at the time of variant classification. Additional details can be found in publication PMID: 35346344, PMCID: PMC8962531

Women's Health and Genetics/Laboratory Corporation of America, LabCorp
Classification: Likely benign. Last evaluated: 2019-08-29. Review status: criteria provided, single submitter. Criteria: LabCorp Variant Classification Summary - May 2015. Collection method: clinical testing. Allele origin: germline.

Quest Diagnostics Nichols Institute San Juan Capistrano
Classification: Likely benign. Last evaluated: 2018-01-20. Review status: criteria provided, single submitter. Criteria: Quest Diagnostics criteria. Collection method: clinical testing. Allele origin: germline.

Color Diagnostics, LLC DBA Color Health
Classification: Likely benign for Hereditary cancer-predisposing syndrome. Last evaluated: 2017-04-24. Review status: criteria provided, single submitter. Criteria: ACMG Guidelines, 2015. Collection method: clinical testing. Allele origin: germline.

Ambry Genetics
Classification: Likely benign for Hereditary cancer-predisposing syndrome; Familial thoracic aortic aneurysm and aortic dissection. Last evaluated: 2015-11-06. Review status: criteria provided, single submitter. Criteria: Ambry Variant Classification Scheme 2023. Collection method: clinical testing. Allele origin: germline.

NM_005359.6(SMAD4):c.1353G>A (p.Ala451=)

Gene: SMAD4 (SMAD family member 4; plus strand). Cytogenetic location: 18q21.2.
Variant type: single nucleotide variant.
Coding change: c.1353G>A on transcript NM_005359.6 (MANE Select); coding-DNA position 1353, G replaced by A.
Protein change: p.Ala451=; no amino-acid change (alanine 451 retained).
Molecular consequence: synonymous variant.
Genome position (GRCh38, 1-based): chr18:51,076,682, G>A. VCF-style: chr18-51076682-G-A. GRCh37 (hg19) VCF-style: chr18-48603052-G-A.
Identifiers: ClinVar variation 492469 (VCV000492469.22), dbSNP rs1441353791, ClinGen allele CA503873830.